The following is an entry in ClinVar:

NM_020207.7(ERCC6L2):c.1853A>G (p.Tyr618Cys)

Gene: ERCC6L2 (ERCC excision repair 6 like 2; plus strand). Cytogenetic location: 9q22.32.
Variant type: single nucleotide variant.
Coding change: c.1853A>G on transcript NM_020207.7 (MANE Select); coding-DNA position 1853, A replaced by G.
Protein change: p.Tyr618Cys; replaces tyrosine 618 with cysteine.
Molecular consequence: missense variant. On other transcripts: non-coding transcript variant (1).
Genome position (GRCh38, 1-based): chr9:95,955,919, A>G. VCF-style: chr9-95955919-A-G. GRCh37 (hg19) VCF-style: chr9-98718201-A-G.
Other names: c.1853A>G, p.Tyr618Cys (NM_001010895.4, NM_001375291.1, NM_001375292.1 and 2 more transcripts); short protein forms Y618C.
Identifiers: ClinVar variation 4825642 (VCV004825642.1).

ClinVar aggregate classification (germline): Uncertain significance (1 of 4 stars; one submission).

Conditions:
Inborn genetic diseases. Identifiers: MedGen C0950123, MeSH D030342.

Submission:

Ambry Genetics
Classification: Uncertain significance for Inborn genetic diseases. Last evaluated: 2026-01-22. Review status: criteria provided, single submitter. Criteria: Ambry Variant Classification Scheme 2023. Collection method: clinical testing. Allele origin: germline.
Comment: The p.Y618C variant (also known as c.1853A>G), located in coding exon 13 of the ERCC6L2 gene, results from an A to G substitution at nucleotide position 1853. The tyrosine at codon 618 is replaced by cysteine, an amino acid with highly dissimilar properties. This amino acid position is conserved. In addition, this alteration is predicted to be deleterious by in silico analysis. Based on the available evidence, the clinical significance of this variant remains unclear.